The following is an entry in ClinVar:

NM_017635.5(KMT5B):c.1296_1302del (p.Asn433fs)

Gene: KMT5B (lysine methyltransferase 5B; minus strand). Cytogenetic location: 11q13.2.
Variant type: Deletion.
Coding change: c.1296_1302del on transcript NM_017635.5 (MANE Select); coding-DNA positions 1296 to 1302, 7 bases deleted (AAATAAT; older notation c.1296_1302delAAATAAT).
Protein change: p.Asn433fs; shifts the reading frame from asparagine 433.
Molecular consequence: frameshift variant.
Genome position (GRCh38, 1-based): chr11:68,159,044-68,159,050, ATTATTT deleted on the plus strand (AAATAAT on the coding strand, the reverse complement: KMT5B is on the minus strand); deleting any 7 consecutive bases within chr11:68,159,044-68,159,052 gives the same sequence; the c. name uses the placement nearest the transcript's 3' end. VCF-style (leftmost placement, unchanged base first): chr11-68159043-AATTATTT-A. GRCh37 (hg19) VCF-style: chr11-67926510-AATTATTT-A.
Other names: c.780_786del, p.Asn261fs (NM_001300907.1, NM_001369428.1, NM_001369429.1 and 4 more transcripts); c.576_582del, p.Asn193fs (NM_001300908.2); c.1296_1302del, p.Asn433fs (NM_001369426.1); short protein forms N193fs, N261fs, N433fs.
Identifiers: ClinVar variation 4887994 (VCV004887994.1).
Genomic context (GRCh38, chr11:68,159,043, plus strand): 5'-TCAATTTTATCTTTGAAAGTAAAGGCTTTGCAGGCTTCTTCAGTTTCTTTGGTACCCTGG[AATTATTT>A]ATATGAGTTAGCTTAGATGAGGTAGAGTTGGAAGAAGCTGGAATTCTTGACATAGATTGC-3'

ClinVar aggregate classification (germline): Likely pathogenic (1 of 4 stars; one submission).

Conditions:
Paediatric disorders.

Submission:

North West Genomic Laboratory Hub, Manchester University NHS Foundation Trust
Classification: Likely pathogenic for Paediatric disorders. Last evaluated: 2025-11-17. Review status: criteria provided, single submitter. Criteria: ACGS Best Practice Guidelines for Variant Classification in Rare Disease 2024. Collection method: clinical testing. Allele origin: germline. Affected: yes.
Comment: PS2_Supp PVS1_Str PM2_Mod